The following is an entry in ClinVar:

NM_015338.6(ASXL1):c.2296T>C (p.Ser766Pro)

Gene: ASXL1 (ASXL transcriptional regulator 1; plus strand). Cytogenetic location: 20q11.21.
Variant type: single nucleotide variant.
Coding change: c.2296T>C on transcript NM_015338.6 (MANE Select); coding-DNA position 2296, T replaced by C.
Protein change: p.Ser766Pro; replaces serine 766 with proline.
Molecular consequence: missense variant.
Genome position (GRCh38, 1-based): chr20:32,435,008, T>C. VCF-style: chr20-32435008-T-C. GRCh37 (hg19) VCF-style: chr20-31022811-T-C.
Other names: c.2113T>C, p.Ser705Pro (NM_001363734.1); short protein forms S705P, S766P.
Identifiers: ClinVar variation 4588048 (VCV004588048.1).
Genomic context (GRCh38, chr20:32,435,008, plus strand): 5'-GCCTCCCAACTCCCCGTTGCTCCCACTGGGGACCAGCCATGCCAGGCCTTGCCCCTACTG[T>C]CCTCCCAAACCTCAGTAGCTGAGAGATTAGTGGAGCAGCCTCAGTTGCATCCGGATGTTA-3'
Protein context (NP_056153.2, residues 756-776): DQPCQALPLL[Ser766Pro]SQTSVAERLV

ClinVar aggregate classification (germline): Uncertain significance (1 of 4 stars; one submission).

Conditions:
Inborn genetic diseases. Identifiers: MedGen C0950123, MeSH D030342.

Submission:

Ambry Genetics
Classification: Uncertain significance for Inborn genetic diseases. Last evaluated: 2025-10-23. Review status: criteria provided, single submitter. Criteria: Ambry Variant Classification Scheme 2023. Collection method: clinical testing. Allele origin: germline.
Comment: The p.S766P variant (also known as c.2296T>C), located in coding exon 13 of the ASXL1 gene, results from a T to C substitution at nucleotide position 2296. The serine at codon 766 is replaced by proline, an amino acid with similar properties. This amino acid position is conserved. In addition, this alteration is predicted to be tolerated by in silico analysis. Based on the available evidence, the clinical significance of this variant remains unclear.